The following is an entry in ClinVar:

NM_206933.4(USH2A):c.9342A>G (p.Pro3114=)

Gene: USH2A (usherin; minus strand). Cytogenetic location: 1q41.
Variant type: single nucleotide variant.
Coding change: c.9342A>G on transcript NM_206933.4 (MANE Select); coding-DNA position 9342, A replaced by G.
Protein change: p.Pro3114=; no amino-acid change (proline 3114 retained).
Molecular consequence: synonymous variant.
Genome position (GRCh38, 1-based): chr1:215,838,020, T>C on the plus strand (A>G on the coding strand, the complement: USH2A is on the minus strand). VCF-style: chr1-215838020-T-C. GRCh37 (hg19) VCF-style: chr1-216011362-T-C.
Identifiers: ClinVar variation 48622 (VCV000048622.18), dbSNP rs181961185, ClinGen allele CA143658.

ClinVar aggregate classification (germline): Likely benign. Review status: criteria provided, multiple submitters, no conflicts (2 of 4 stars). 8 submissions from 7 submitters: Likely benign (7). 1 of the submissions does not count toward it. Last evaluated 2025-12-23.

Conditions:
USH2A-related disorder. Also called: USH2A-related disorders; USH2A-related condition. Identifiers: MedGen CN239332.
Usher syndrome type 2A. Also called: RETINAL DISEASE IN USHER SYNDROME TYPE IIA, MODIFIER OF; USHER SYNDROME, TYPE IIA. Identifiers: Orphanet 231178, Orphanet 886, MedGen C1848634, MONDO:0010169, OMIM 276901.
Retinitis pigmentosa 39 (RP39). Identifiers: Orphanet 791, MedGen C3151138, MONDO:0013436, OMIM 613809.

Allele frequency attached by ClinVar (database versions not stated): gnomAD exomes 0.00001 and 0.00004; ExAC 0.00002; gnomAD 0.00002; TOPMed 0.00002; 1000 Genomes Project 0.00020; 1000 Genomes Project 30x 0.00031.
gnomAD v4.1: 25 of 1,614,074 alleles (0.0015%); highest among the groups gnomAD compares: Admixed American, 0.0033%; no homozygotes.

Submissions (8):

Labcorp Genetics (formerly Invitae), Labcorp
Classification: Likely benign. Last evaluated: 2025-12-23. Review status: criteria provided, single submitter. Criteria: Invitae Variant Classification Sherloc (09022015). Collection method: clinical testing. Allele origin: germline.

PreventionGenetics, part of Exact Sciences
Classification: Likely benign for USH2A-related condition. Last evaluated: 2024-11-09. Review status: criteria provided, single submitter. Criteria: ACMG Guidelines, 2015. Collection method: clinical testing. Allele origin: germline.
Comment: This variant is classified as likely benign based on ACMG/AMP sequence variant interpretation guidelines (Richards et al. 2015 PMID: 25741868, with internal and published modifications).

Genome-Nilou Lab
Classification: Likely benign for Retinitis pigmentosa 39. Last evaluated: 2023-11-04. Review status: criteria provided, single submitter. Criteria: ACMG Guidelines, 2015. Collection method: clinical testing. Allele origin: germline. Affected: no.

Genome-Nilou Lab
Classification: Likely benign for Usher syndrome type 2A. Last evaluated: 2023-11-04. Review status: criteria provided, single submitter. Criteria: ACMG Guidelines, 2015. Collection method: clinical testing. Allele origin: germline. Affected: no.

Blueprint Genetics
Classification: Likely benign. Last evaluated: 2022-04-22. Review status: criteria provided, single submitter. Criteria: ACMG Guidelines, 2015. Collection method: clinical testing. Allele origin: germline.

Laboratory for Molecular Medicine, Mass General Brigham Personalized Medicine
Classification: Likely benign. Last evaluated: 2011-03-02. Review status: criteria provided, single submitter. Criteria: LMM Criteria. Collection method: clinical testing. Allele origin: germline. Observed: 1 variant allele.
Comment: Pro3114Pro in exon 47 of USH2A: This variant is not expected to have clinical si gnificance because it does not alter an amino acid residue and is not located ne ar a splice junction.

Breakthrough Genomics
Classification: Likely benign. Review status: criteria provided, single submitter. Criteria: ACMG Guidelines, 2015. Collection method: not provided. Allele origin: germline. Inheritance: Autosomal recessive inheritance. Affected: yes.

Counsyl
Classification: Likely benign for Usher syndrome type 2A; Retinitis pigmentosa 39. Last evaluated: 2017-07-06. Review status: no assertion criteria provided. Collection method: clinical testing. Allele origin: unknown. Not counted in ClinVar's aggregate classification.